The following is an entry in ClinVar:

NM_000426.4(LAMA2):c.1139A>G (p.Asn380Ser)

Gene: LAMA2 (laminin subunit alpha 2; plus strand). Cytogenetic location: 6q22.33.
Variant type: single nucleotide variant.
Coding change: c.1139A>G on transcript NM_000426.4 (MANE Select); coding-DNA position 1139, A replaced by G.
Protein change: p.Asn380Ser; replaces asparagine 380 with serine.
Molecular consequence: missense variant.
Genome position (GRCh38, 1-based): chr6:129,154,616, A>G. VCF-style: chr6-129154616-A-G. GRCh37 (hg19) VCF-style: chr6-129475761-A-G.
Other names: c.1139A>G, p.Asn380Ser (NM_001079823.2); short protein forms N380S.
Identifiers: ClinVar variation 2632433 (VCV002632433.1), dbSNP rs752575481, ClinGen allele CA3992530.

ClinVar aggregate classification (germline): Uncertain significance (1 of 4 stars; one submission).

Conditions:
LAMA2-related disorder. Also called: LAMA2-related condition; LAMA2-related disorders.

Allele frequency attached by ClinVar (database versions not stated): gnomAD exomes below 0.00001; TOPMed below 0.00001; ExAC 0.00001; gnomAD 0.00001.
gnomAD v4.1: 2 of 1,613,986 alleles (0.00012%); highest among the groups gnomAD compares: Admixed American, 0.0017%; no homozygotes.

Submission:

PreventionGenetics, part of Exact Sciences
Classification: Uncertain significance for LAMA2-related condition. Last evaluated: 2023-08-08. Review status: criteria provided, single submitter. Criteria: ACMG Guidelines, 2015. Collection method: clinical testing. Allele origin: germline.
Comment: The LAMA2 c.1139A>G variant is predicted to result in the amino acid substitution p.Asn380Ser. To our knowledge, this variant has not been reported in the literature. This variant is reported in 0.0029% of alleles in individuals of Latino descent in gnomAD. At this time, the clinical significance of this variant is uncertain due to the absence of conclusive functional and genetic evidence.